The following is an entry in ClinVar:

ClinVar aggregate classification (germline): Pathogenic (1 of 4 stars; one submission).

Conditions:
Zellweger spectrum disorders (ZS). Also called: Zellweger syndrome; Zellweger Spectrum Disorder; Zellweger Spectrum; Zellweger Spectrum Disorder (ZSD). Identifiers: Orphanet 912, MedGen C0043459, MONDO:0019609.

Submission:

Labcorp Genetics (formerly Invitae), Labcorp
Classification: Pathogenic for Zellweger spectrum disorders. Last evaluated: 2023-02-13. Review status: criteria provided, single submitter. Criteria: Invitae Variant Classification Sherloc (09022015). Collection method: clinical testing. Allele origin: germline.
Comment: For these reasons, this variant has been classified as Pathogenic. This variant has not been reported in the literature in individuals affected with PEX1-related conditions. This variant is not present in population databases (gnomAD no frequency). This sequence change creates a premature translational stop signal (p.Gln343*) in the PEX1 gene. It is expected to result in an absent or disrupted protein product. Loss-of-function variants in PEX1 are known to be pathogenic (PMID: 9398847, 16086329, 16141001, 21031596, 26387595, 31831025).

Literature cited by the submitters: PubMed 9398847; PubMed 16086329; PubMed 16141001; PubMed 21031596; PubMed 26387595; PubMed 31831025.

NM_000466.3(PEX1):c.1027C>T (p.Gln343Ter)

Gene: PEX1 (peroxisomal biogenesis factor 1; minus strand). Cytogenetic location: 7q21.2.
Variant type: single nucleotide variant.
Coding change: c.1027C>T on transcript NM_000466.3 (MANE Select); coding-DNA position 1027, C replaced by T.
Protein change: p.Gln343Ter; replaces glutamine 343 with a stop codon.
Molecular consequence: nonsense.
Genome position (GRCh38, 1-based): chr7:92,517,488, G>A on the plus strand (C>T on the coding strand, the complement: PEX1 is on the minus strand). VCF-style: chr7-92517488-G-A. GRCh37 (hg19) VCF-style: chr7-92146802-G-A.
Other names: c.1027C>T, p.Gln343Ter (NM_001282677.2); c.403C>T, p.Gln135Ter (NM_001282678.2); short protein forms Q135*, Q343*.
Identifiers: ClinVar variation 2836588 (VCV002836588.3), dbSNP rs2484702514, ClinGen allele CA368198495.